The following is an entry in ClinVar:

ClinVar aggregate classification (germline): Uncertain significance (1 of 4 stars; one submission).

Conditions:
Inborn genetic diseases. Identifiers: MedGen C0950123, MeSH D030342.

Submission:

Ambry Genetics
Classification: Uncertain significance for Inborn genetic diseases. Last evaluated: 2021-08-24. Review status: criteria provided, single submitter. Criteria: Ambry Variant Classification Scheme 2023. Collection method: clinical testing. Allele origin: germline.
Comment: The p.P2033L variant (also known as c.6098C>T), located in coding exon 36 of the ATR gene, results from a C to T substitution at nucleotide position 6098. The proline at codon 2033 is replaced by leucine, an amino acid with similar properties. This amino acid position is conserved. In addition, the in silico prediction for this alteration is inconclusive. Since supporting evidence is limited at this time, the clinical significance of this alteration remains unclear.

NM_001184.4(ATR):c.6098C>T (p.Pro2033Leu)

Genes: ATR (ATR checkpoint kinase; minus strand), LOC126806830 (BRD4-independent group 4 enhancer GRCh37_chr3:142203676-142204875; plus strand). Cytogenetic location: 3q23.
Variant type: single nucleotide variant.
Coding change: c.6098C>T on transcript NM_001184.4 (MANE Select); coding-DNA position 6098, C replaced by T.
Protein change: p.Pro2033Leu; replaces proline 2033 with leucine.
Molecular consequence: missense variant.
Genome position (GRCh38, 1-based): chr3:142,485,263, G>A on the plus strand (C>T on the coding strand, the complement: ATR is on the minus strand). VCF-style: chr3-142485263-G-A. GRCh37 (hg19) VCF-style: chr3-142204105-G-A.
Other names: c.5906C>T, p.Pro1969Leu (NM_001354579.2); short protein forms P2033L, P1969L.
Identifiers: ClinVar variation 1751537 (VCV001751537.2), dbSNP rs2108311603, ClinGen allele CA354809797.